The following is an entry in ClinVar:

NM_014915.3(ANKRD26):c.966C>A (p.Ser322Arg)

Gene: ANKRD26 (ankyrin repeat domain 26; minus strand). Cytogenetic location: 10p12.1.
Variant type: single nucleotide variant.
Coding change: c.966C>A on transcript NM_014915.3 (MANE Select); coding-DNA position 966, C replaced by A.
Protein change: p.Ser322Arg; replaces serine 322 with arginine.
Molecular consequence: missense variant.
Genome position (GRCh38, 1-based): chr10:27,077,449, G>T on the plus strand (C>A on the coding strand, the complement: ANKRD26 is on the minus strand). VCF-style: chr10-27077449-G-T. GRCh37 (hg19) VCF-style: chr10-27366378-G-T.
Other names: c.966C>A, p.Ser322Arg (NM_001256053.2); short protein forms S322R.
Identifiers: ClinVar variation 2909766 (VCV002909766.3), dbSNP rs2539121161, ClinGen allele CA376361785.
Genomic context (GRCh38, chr10:27,077,449, plus strand): 5'-GTCAGGTGATTGATAGGTAGGATGAGAAAAGCACTGGACTTTGATTGATGTTGTAGGAAG[G>T]CTTTCAACCACAACTTCATCTTGACTATCGGAATCTCTATCCTCAAACAAAGTTCTATTT-3'
Protein context (NP_055730.2, residues 312-332): SDSQDEVVVE[Ser322Arg]LPTTSIKVQC

ClinVar aggregate classification (germline): Uncertain significance (1 of 4 stars; one submission).

Allele frequency attached by ClinVar (database versions not stated): gnomAD exomes below 0.00001.
gnomAD v4.1: 7 of 1,613,828 alleles (0.00043%); highest among the groups gnomAD compares: Non-Finnish European, 0.00051%; no homozygotes.

Submission:

Labcorp Genetics (formerly Invitae), Labcorp
Classification: Uncertain significance. Last evaluated: 2023-11-05. Review status: criteria provided, single submitter. Criteria: Invitae Variant Classification Sherloc (09022015). Collection method: clinical testing. Allele origin: germline.
Comment: This sequence change replaces serine, which is neutral and polar, with arginine, which is basic and polar, at codon 322 of the ANKRD26 protein (p.Ser322Arg). This variant is not present in population databases (gnomAD no frequency). This variant has not been reported in the literature in individuals affected with ANKRD26-related conditions. An algorithm developed to predict the effect of missense changes on protein structure and function (PolyPhen-2) suggests that this variant is likely to be tolerated. In summary, the available evidence is currently insufficient to determine the role of this variant in disease. Therefore, it has been classified as a Variant of Uncertain Significance.